The following is an entry in ClinVar:

NM_017636.4(TRPM4):c.2587A>G (p.Ser863Gly)

Gene: TRPM4 (transient receptor potential cation channel subfamily M member 4; plus strand). Cytogenetic location: 19q13.33.
Variant type: single nucleotide variant.
Coding change: c.2587A>G on transcript NM_017636.4 (MANE Select); coding-DNA position 2587, A replaced by G.
Protein change: p.Ser863Gly; replaces serine 863 with glycine.
Molecular consequence: missense variant. On other transcripts: intron variant (1).
Genome position (GRCh38, 1-based): chr19:49,196,816, A>G. VCF-style: chr19-49196816-A-G. GRCh37 (hg19) VCF-style: chr19-49700073-A-G.
Other names: c.2242A>G, p.Ser748Gly (NM_001321281.2); c.979A>G, p.Ser327Gly (NM_001321282.2); c.2065A>G, p.Ser689Gly (NM_001321283.2); c.1525A>G, p.Ser509Gly (NM_001321285.2); c.2211-3484A>G (NM_001195227.2); short protein forms S689G, S863G, S509G, S748G, S327G.
Identifiers: ClinVar variation 1793437 (VCV001793437.4), dbSNP rs998329815, ClinGen allele CA309455416.

ClinVar aggregate classification (germline): Conflicting classifications of pathogenicity. Review status: criteria provided, conflicting classifications (1 of 4 stars). 2 submissions from 2 submitters: Uncertain significance (1); Likely benign (1). Last evaluated 2025-12-28.

Conditions:
Cardiovascular phenotype. Identifiers: MedGen CN230736.
Progressive familial heart block type IB (PFHB1B). Identifiers: Orphanet 871, MedGen C1970298, MONDO:0011474, OMIM 604559.

Allele frequency attached by ClinVar (database versions not stated): TOPMed below 0.00001; gnomAD 0.00001.

Submissions (2):

Labcorp Genetics (formerly Invitae), Labcorp
Classification: Uncertain significance for Progressive familial heart block type IB. Last evaluated: 2025-12-28. Review status: criteria provided, single submitter. Criteria: Invitae Variant Classification Sherloc (09022015). Collection method: clinical testing. Allele origin: germline.
Comment: This sequence change replaces serine, which is neutral and polar, with glycine, which is neutral and non-polar, at codon 863 of the TRPM4 protein (p.Ser863Gly). The frequency data for this variant in the population databases is considered unreliable, as metrics indicate poor data quality at this position in the gnomAD database. This variant has not been reported in the literature in individuals affected with TRPM4-related conditions. ClinVar contains an entry for this variant (Variation ID: 1793437). An algorithm developed to predict the effect of missense changes on protein structure and function (PolyPhen-2) suggests that this variant is likely to be tolerated. In summary, the available evidence is currently insufficient to determine the role of this variant in disease. Therefore, it has been classified as a Variant of Uncertain Significance.

Ambry Genetics
Classification: Likely benign for Cardiovascular phenotype. Last evaluated: 2024-02-13. Review status: criteria provided, single submitter. Criteria: Ambry Variant Classification Scheme 2023. Collection method: clinical testing. Allele origin: germline.